The following is an entry in ClinVar:

ClinVar aggregate classification (germline): Uncertain significance (1 of 4 stars; one submission).

gnomAD v4.1: 3 of 1,202,233 alleles (0.00025%); highest among the groups gnomAD compares: African/African-American, 0.0035%; no homozygotes.

Submission:

Labcorp Genetics (formerly Invitae), Labcorp
Classification: Uncertain significance. Last evaluated: 2025-05-01. Review status: criteria provided, single submitter. Criteria: Invitae Variant Classification Sherloc (09022015). Collection method: clinical testing. Allele origin: germline.
Comment: This sequence change replaces isoleucine, which is neutral and non-polar, with valine, which is neutral and non-polar, at codon 1060 of the USP9X protein (p.Ile1060Val). This variant is not present in population databases (gnomAD no frequency). This variant has not been reported in the literature in individuals affected with USP9X-related conditions. An algorithm developed to predict the effect of missense changes on protein structure and function (PolyPhen-2) suggests that this variant is likely to be tolerated. In summary, the available evidence is currently insufficient to determine the role of this variant in disease. Therefore, it has been classified as a Variant of Uncertain Significance.

NM_001039591.3(USP9X):c.3178A>G (p.Ile1060Val)

Gene: USP9X (ubiquitin specific peptidase 9 X-linked; plus strand). Cytogenetic location: Xp11.4.
Variant type: single nucleotide variant.
Coding change: c.3178A>G on transcript NM_001039591.3 (MANE Select); coding-DNA position 3178, A replaced by G.
Protein change: p.Ile1060Val; replaces isoleucine 1060 with valine.
Molecular consequence: missense variant.
Genome position (GRCh38, 1-based): chrX:41,184,027, A>G. VCF-style: chrX-41184027-A-G. GRCh37 (hg19) VCF-style: chrX-41043280-A-G.
Other names: c.3178A>G, p.Ile1060Val (NM_001039590.3); c.3193A>G, p.Ile1065Val (NM_001410748.1, NM_001410749.1, NM_001437534.1); short protein forms I1060V, I1065V.
Identifiers: ClinVar variation 4702676 (VCV004702676.1).
Genomic context (GRCh38, chrX:41,184,027, plus strand): 5'-CATTTTCACACTGTCTCTTTTTTTCCTCCAGATAGCACAACGATAGAAAAATTAAGAGCT[A>G]TTTGTTTAGACCATGCCAAACTTGGAGAAAGCAGCCTTAGTCCATCTCTTGACTCACTTT-3'
Protein context (NP_001034680.2, residues 1050-1070): DSTTIEKLRA[Ile1060Val]CLDHAKLGES